The following is an entry in ClinVar:

ClinVar aggregate classification (germline): Likely benign. Review status: criteria provided, multiple submitters, no conflicts (2 of 4 stars). 2 submissions from 2 submitters: Likely benign (2). Last evaluated 2022-08-15.

Conditions:
Early-infantile DEE. Also called: Ohtahara syndrome; Early infantile epileptic encephalopathy; Early infantile epileptic encephalopathy with suppression bursts. Identifiers: Orphanet 1934, MedGen C0393706, MONDO:0800491.

Submissions (2):

Labcorp Genetics (formerly Invitae), Labcorp
Classification: Likely benign for Early-infantile DEE. Last evaluated: 2022-08-15. Review status: criteria provided, single submitter. Criteria: Invitae Variant Classification Sherloc (09022015). Collection method: clinical testing. Allele origin: germline.

GeneDx
Classification: Likely benign. Last evaluated: 2016-07-21. Review status: criteria provided, single submitter. Criteria: GeneDx Variant Classification (06012015). Collection method: clinical testing. Allele origin: germline. Affected: yes.
Comment: This variant is considered likely benign or benign based on one or more of the following criteria: it is a conservative change, it occurs at a poorly conserved position in the protein, it is predicted to be benign by multiple in silico algorithms, and/or has population frequency not consistent with disease.

NM_172107.4(KCNQ2):c.1023+17C>G

Gene: KCNQ2 (potassium voltage-gated channel subfamily Q member 2; minus strand). Cytogenetic location: 20q13.33.
Variant type: single nucleotide variant.
Coding change: c.1023+17C>G on transcript NM_172107.4 (MANE Select); 17 bases into the intron after coding-DNA position 1023, C replaced by G.
Molecular consequence: intron variant.
Genome position (GRCh38, 1-based): chr20:63,438,608, G>C on the plus strand (C>G on the coding strand, the complement: KCNQ2 is on the minus strand). VCF-style: chr20-63438608-G-C. GRCh37 (hg19) VCF-style: chr20-62069961-G-C.
Other names: c.1023+17C>G (NM_004518.6, NM_172108.5, NM_172106.3 and 1 more transcripts).
Identifiers: ClinVar variation 387571 (VCV000387571.9), dbSNP rs1057522826, ClinGen allele CA16608022.